The following is an entry in ClinVar:

NM_006073.4(TRDN):c.568dup (p.Ile190fs)

Gene: TRDN (triadin; minus strand). Cytogenetic location: 6q22.31.
Variant type: Duplication.
Coding change: c.568dup on transcript NM_006073.4 (MANE Select); coding-DNA position 568, one base duplicated (A; older notation c.568dupA).
Protein change: p.Ile190fs; shifts the reading frame from isoleucine 190.
Molecular consequence: frameshift variant.
Genome position (GRCh38, 1-based): chr6:123,512,345, T duplicated on the plus strand (A on the coding strand, the reverse complement: TRDN is on the minus strand); the first of 6 consecutive T bases (chr6:123,512,345-123,512,350); duplicating any one gives the same sequence. VCF-style (leftmost placement, unchanged base first): chr6-123512344-A-AT. GRCh37 (hg19) VCF-style: chr6-123833489-A-AT.
Other names: c.568dup, p.Ile190fs (NM_001251987.2, NM_001256020.2, NM_001256021.2); c.568dup (NM_006073.3); short protein forms I190fs.
Identifiers: ClinVar variation 225497 (VCV000225497.13), dbSNP rs1085307100, ClinGen allele CA645293872.

ClinVar aggregate classification (germline): Pathogenic/Likely pathogenic. Review status: criteria provided, multiple submitters, no conflicts (2 of 4 stars). 3 submissions from 3 submitters: Pathogenic (1); Likely pathogenic (2). Last evaluated 2020-12-09.

Conditions:
Catecholaminergic polymorphic ventricular tachycardia 5 (CARDAR). Also called: Ventricular tachycardia, catecholaminergic polymorphic, 5, with or without muscle weakness; CARDIAC ARRHYTHMIA SYNDROME, WITH OR WITHOUT SKELETAL MUSCLE WEAKNESS. Identifiers: Orphanet 3286, MedGen C3809536, MONDO:0014191, OMIM 615441.
Catecholaminergic polymorphic ventricular tachycardia 1. Also called: VENTRICULAR TACHYCARDIA, CATECHOLAMINERGIC POLYMORPHIC, 1, WITH OR WITHOUT ATRIAL DYSFUNCTION AND/OR DILATED CARDIOMYOPATHY; RYR2-Related Catecholaminergic Polymorphic Ventricular Tachycardia; VENTRICULAR TACHYCARDIA, STRESS-INDUCED POLYMORPHIC 1. Identifiers: Orphanet 3286, MedGen C1631597, MONDO:0011484, OMIM 604772.

Submissions (3):

Labcorp Genetics (formerly Invitae), Labcorp
Classification: Pathogenic for Catecholaminergic polymorphic ventricular tachycardia 1. Last evaluated: 2020-12-09. Review status: criteria provided, single submitter. Criteria: Invitae Variant Classification Sherloc (09022015). Collection method: clinical testing. Allele origin: germline.
Comment: For these reasons, this variant has been classified as Pathogenic. Loss-of-function variants in TRDN are known to be pathogenic (PMID: 25922419). This variant has not been reported in the literature in individuals with TRDN-related disease. ClinVar contains an entry for this variant (Variation ID: 225497). This variant is not present in population databases (ExAC no frequency). This sequence change creates a premature translational stop signal (p.Ile190Asnfs*2) in the TRDN gene. It is expected to result in an absent or disrupted protein product.

Stanford Center for Inherited Cardiovascular Disease, Stanford University
Classification: Likely pathogenic. Last evaluated: 2018-02-02. Review status: criteria provided, single submitter. Criteria: ACMG Guidelines, 2015. Collection method: provider interpretation. Allele origin: germline.

Soonchunhyang University Bucheon Hospital, Soonchunhyang University Medical Center
Classification: Likely pathogenic for Catecholaminergic polymorphic ventricular tachycardia 5. Last evaluated: 2016-03-18. Review status: criteria provided, single submitter. Criteria: ACMG Guidelines, 2015. Collection method: reference population. Allele origin: germline. Observed: 1 variant allele.

Literature cited by the submitters: PubMed 25922419 (cited by Labcorp Genetics (formerly Invitae), Labcorp); PubMed 22422768 (cited by Soonchunhyang University Bucheon Hospital, Soonchunhyang University Medical Center).